The following is an entry in ClinVar:

NM_003560.4(PLA2G6):c.1798del (p.Arg600fs)

Gene: PLA2G6 (phospholipase A2 group VI; minus strand). Cytogenetic location: 22q13.1.
Variant type: Deletion.
Coding change: c.1798del on transcript NM_003560.4 (MANE Select); coding-DNA position 1798, one base deleted (C; older notation c.1798delC).
Protein change: p.Arg600fs; shifts the reading frame from arginine 600.
Molecular consequence: frameshift variant.
Genome position (GRCh38, 1-based): chr22:38,116,156, G deleted on the plus strand (C on the coding strand, the reverse complement: PLA2G6 is on the minus strand); the first of 2 consecutive G bases (chr22:38,116,156-38,116,157); deleting either gives the same sequence. VCF-style (leftmost placement, unchanged base first): chr22-38116155-CG-C. GRCh37 (hg19) VCF-style: chr22-38512162-CG-C.
Other names: c.1636del, p.Arg546fs (NM_001004426.3, NM_001199562.3, NM_001349865.2 and 1 more transcripts); c.1798del, p.Arg600fs (NM_001349864.2); c.1264del, p.Arg422fs (NM_001349867.2); c.1120del, p.Arg374fs (NM_001349868.2); c.1102del, p.Arg368fs (NM_001349869.2); short protein forms R368fs, R600fs, R374fs, R422fs, R546fs.
Identifiers: ClinVar variation 2848119 (VCV002848119.3), dbSNP rs2517930878, ClinGen allele CA2739267952.

ClinVar aggregate classification (germline): Pathogenic (1 of 4 stars; one submission).

Conditions:
Infantile neuroaxonal dystrophy (NBIA2A). Also called: NEURODEGENERATION WITH BRAIN IRON ACCUMULATION 2A; SEITELBERGER DISEASE; Infantile neuroaxonal dystrophy 1. Identifiers: Orphanet 35069, MedGen C0270724, MONDO:0024457, OMIM 256600.

Submission:

Labcorp Genetics (formerly Invitae), Labcorp
Classification: Pathogenic for Infantile neuroaxonal dystrophy. Last evaluated: 2023-09-06. Review status: criteria provided, single submitter. Criteria: Invitae Variant Classification Sherloc (09022015). Collection method: clinical testing. Allele origin: germline.
Comment: For these reasons, this variant has been classified as Pathogenic. This variant has not been reported in the literature in individuals affected with PLA2G6-related conditions. This variant is not present in population databases (gnomAD no frequency). This sequence change creates a premature translational stop signal (p.Arg600Glyfs*66) in the PLA2G6 gene. It is expected to result in an absent or disrupted protein product. Loss-of-function variants in PLA2G6 are known to be pathogenic (PMID: 16783378, 18570303, 18799783, 22213678).

Literature cited by the submitters: PubMed 16783378; PubMed 18570303; PubMed 18799783; PubMed 22213678.